The following is an entry in ClinVar:

ClinVar aggregate classification (germline): Pathogenic/Likely pathogenic. Review status: criteria provided, multiple submitters, no conflicts (2 of 4 stars). 6 submissions from 6 submitters: Pathogenic (2); Likely pathogenic (3). 1 of the submissions does not count toward it. Last evaluated 2025-10-13.

Conditions:
Holocarboxylase synthetase deficiency. Also called: MULTIPLE CARBOXYLASE DEFICIENCY, EARLY ONSET. Identifiers: Orphanet 79242, MedGen C0268581, MONDO:0009666, OMIM 253270.

Allele frequency attached by ClinVar (database versions not stated): ESP Exome Variant Server 0.00015; TOPMed 0.00002; gnomAD exomes 0.00003; ExAC 0.00004; gnomAD 0.00004.
gnomAD v4.1: 47 of 1,610,630 alleles (0.0029%); highest among the groups gnomAD compares: East Asian, 0.0045%; no homozygotes.

Submissions (6):

Natera, Inc.
Classification: Likely pathogenic for Holocarboxylase synthetase deficiency. Last evaluated: 2025-10-13. Review status: criteria provided, single submitter. Criteria: Natera Variant Classification Schema (03/2026). Collection method: clinical testing. Allele origin: germline.
Comment: The c.1993C>T variant in HLCS is a nonsense variant predicted to introduce a stop codon at amino acid 665. This variant may result in a truncated or dysfunctional protein product. This variant is rare in the general population with a frequency below the threshold expected for the associated phenotype(s). This variant has been observed in one or more individuals affected with the associated recessive disease, as either homozygous or compound heterozygous with a second variant (PMID: 39634276, 38582244, 33123633). Given the available evidence, this variant is classified as Likely Pathogenic.

Labcorp Genetics (formerly Invitae), Labcorp
Classification: Pathogenic for Holocarboxylase synthetase deficiency. Last evaluated: 2024-02-08. Review status: criteria provided, single submitter. Criteria: Invitae Variant Classification Sherloc (09022015). Collection method: clinical testing. Allele origin: germline.
Comment: This sequence change creates a premature translational stop signal (p.Arg665*) in the HLCS gene. While this is not anticipated to result in nonsense mediated decay, it is expected to disrupt the last 62 amino acid(s) of the HLCS protein. This variant is present in population databases (rs146448211, gnomAD 0.006%). This premature translational stop signal has been observed in individuals with holocarboxylase synthetase deficiency (PMID: 16134170, 27114915, 33123633). ClinVar contains an entry for this variant (Variation ID: 203770). This variant disrupts the C-terminus of the HLCS protein. Other variant(s) that disrupt this region (p.Arg665Aspfs*41) have been observed in individuals with HLCS-related conditions (PMID: 10190325). This suggests that this may be a clinically significant region of the protein. For these reasons, this variant has been classified as Pathogenic.

Fulgent Genetics
Classification: Likely pathogenic for Holocarboxylase synthetase deficiency. Last evaluated: 2024-01-07. Review status: criteria provided, single submitter. Criteria: ACMG Guidelines, 2015. Collection method: clinical testing. Allele origin: germline.

Women's Health and Genetics/Laboratory Corporation of America, LabCorp
Classification: Pathogenic for Holocarboxylase synthetase deficiency. Last evaluated: 2022-07-08. Review status: criteria provided, single submitter. Criteria: LabCorp Variant Classification Summary - May 2015. Collection method: clinical testing. Allele origin: germline.
Comment: Variant summary: HLCS c.1993C>T (p.Arg665X) results in a premature termination codon, predicted to cause a truncation of the encoded protein or absence of the protein due to nonsense mediated decay, which are commonly known mechanisms for disease. In at least one experimental study, a truncation downstream of this position was found to impair biotinylating activity, suggesting the C-terminal end of the protein is important for its functional activity (e.g. Campeau_2001). The variant allele was found at a frequency of 2.8e-05 in 251488 control chromosomes (gnomAD). c.1993C>T has been reported in the literature in individuals affected with Holocarboxylase Synthetase Deficiency (e.g. Suzuki 2005, Donti 2016, Tangeraas_2020). These data indicate that the variant is likely to be associated with disease. Four clinical diagnostic laboratories have submitted clinical-significance assessments for this variant to ClinVar after 2014. All laboratories classified the variant as likely pathogenic (n=3) or pathogenic (n=1). Based on the evidence outlined above, the variant was classified as pathogenic.

Revvity Omics, Revvity
Classification: Likely pathogenic for Holocarboxylase synthetase deficiency. Last evaluated: 2021-01-20. Review status: criteria provided, single submitter. Criteria: ACMG Guidelines, 2015. Collection method: clinical testing. Allele origin: germline.

Counsyl
Classification: Likely pathogenic for Holocarboxylase synthetase deficiency. Last evaluated: 2017-01-20. Review status: no assertion criteria provided. Collection method: clinical testing. Allele origin: unknown. Not counted in ClinVar's aggregate classification.

Literature cited by the submitters: PubMed 39634276 (cited by Natera, Inc.); PubMed 38582244 (cited by Natera, Inc.); PubMed 33123633 (cited by 3 submitters); PubMed 16134170 (cited by 3 submitters); PubMed 27114915 (cited by 3 submitters); PubMed 10190325 (cited by Labcorp Genetics (formerly Invitae), Labcorp); PubMed 25087612 (cited by Women's Health and Genetics/Laboratory Corporation of America, LabCorp and Counsyl); PubMed 11124959 (cited by Women's Health and Genetics/Laboratory Corporation of America, LabCorp and Counsyl); PubMed 25525159 (cited by Counsyl).

NM_001352514.2(HLCS):c.2434C>T (p.Arg812Ter)

Gene: HLCS (holocarboxylase synthetase; minus strand). Cytogenetic location: 21q22.13.
Variant type: single nucleotide variant.
Coding change: c.2434C>T on transcript NM_001352514.2 (MANE Select); coding-DNA position 2434, C replaced by T.
Protein change: p.Arg812Ter; replaces arginine 812 with a stop codon.
Molecular consequence: nonsense. On other transcripts: non-coding transcript variant (2).
Genome position (GRCh38, 1-based): chr21:36,756,558, G>A on the plus strand (C>T on the coding strand, the complement: HLCS is on the minus strand). VCF-style: chr21-36756558-G-A. GRCh37 (hg19) VCF-style: chr21-38128859-G-A.
Other names: c.1993C>T, p.Arg665Ter (NM_000411.8, NM_001242784.3, NM_001242785.2 and 4 more transcripts); c.1993C>T (NM_000411.7); short protein forms R665*, R812*.
Identifiers: ClinVar variation 203770 (VCV000203770.27), dbSNP rs146448211, ClinGen allele CA312622.